The following continues an entry in ClinVar:

NM_000322.5(PRPH2):c.623G>A (p.Gly208Asp)

Gene: PRPH2. ClinVar aggregate classification (germline): Pathogenic/Likely pathogenic. Pathogenic (5); Likely pathogenic (5).

Submissions 10 to 14 of 14:

NEI Ophthalmic Genomics Laboratory, National Institutes of Health
Classification: Likely pathogenic for Stargardt disease. Last evaluated: 2020-01-07. Review status: criteria provided, single submitter. Criteria: ACMG Guidelines, 2015. Collection method: clinical testing. Allele origin: germline. Affected: yes.
Comment: The variant NM_000322.4:c.623G>A in the PRPH2 gene has been previously studied(PMIDs 9279751, 12042139, 25447119, 29555955). This variant is listed in dbSNP and/or HGMD (rs139185976,CM971288). It is present in gnomAD browser (AF 0.0000487). It is not enriched in the PRPH2 disease cohort. We invoked ACMG criteria [PP1-M, PM1, PM2, PP3, PP5] and classified NM_000322.4:c.623G>A in the PRPH2 gene as a Likely Pathogenic mutation.

Leiden Open Variation Database
Classification: Likely pathogenic. Last evaluated: 2021-04-06. Review status: no assertion criteria provided. Collection method: curation. Allele origin: germline. Affected: yes. Not counted in ClinVar's aggregate classification.
Comment: Curator: Global Variome, with Curator vacancy. Submitters to LOVD: Global Variome, with Curator vacancy, LOVD, Manon Peeters.

Department of Clinical Genetics, Copenhagen University Hospital, Rigshospitalet
Classification: Pathogenic for Macular dystrophy. Last evaluated: 2018-04-01. Review status: no assertion criteria provided. Collection method: research. Allele origin: unknown. Affected: yes. Study: VeluxRD. Not counted in ClinVar's aggregate classification.

Department of Clinical Genetics, Copenhagen University Hospital, Rigshospitalet
Classification: Pathogenic for Pattern dystrophy. Last evaluated: 2018-04-01. Review status: no assertion criteria provided. Collection method: research. Allele origin: unknown. Affected: yes. Study: VeluxRD. Not counted in ClinVar's aggregate classification.

NIHR Bioresource Rare Diseases, University of Cambridge
Classification: Likely pathogenic for Macular dystrophy. Last evaluated: 2015-01-01. Review status: no assertion criteria provided. Collection method: research. Allele origin: unknown. Affected: yes. Observed: 1 variant allele. Not counted in ClinVar's aggregate classification.

Literature cited by the submitters: PubMed 9279751 (cited by 5 submitters); PubMed 12042139 (cited by Labcorp Genetics (formerly Invitae), Labcorp and Institute of Human Genetics, Univ. Regensburg, Univ. Regensburg); PubMed 21071739 (cited by Labcorp Genetics (formerly Invitae), Labcorp and Leiden Open Variation Database); PubMed 25447119 (cited by 3 submitters); PubMed 29555955 (cited by 3 submitters); PubMed 30726412 (cited by Victorian Clinical Genetics Services, Murdoch Childrens Research Institute and Leiden Open Variation Database); PubMed 31914632 (cited by Victorian Clinical Genetics Services, Murdoch Childrens Research Institute); PubMed 32531846 (cited by 3 submitters); PubMed 34411390 (cited by Victorian Clinical Genetics Services, Murdoch Childrens Research Institute and Institute of Human Genetics, Univ. Regensburg, Univ. Regensburg); PubMed 36609934 (cited by Victorian Clinical Genetics Services, Murdoch Childrens Research Institute); PubMed 37047703 (cited by Victorian Clinical Genetics Services, Murdoch Childrens Research Institute); PubMed 31589614 (cited by Institute of Human Genetics, Univ. Regensburg, Univ. Regensburg); PubMed 31429209 (cited by Institute of Human Genetics, Univ. Regensburg, Univ. Regensburg and Leiden Open Variation Database); PubMed 32581362 (cited by Institute of Human Genetics, Univ. Regensburg, Univ. Regensburg); PubMed 32531858 (cited by Institute of Human Genetics, Univ. Regensburg, Univ. Regensburg); PubMed 32037395 (cited by Institute of Human Genetics, Univ. Regensburg, Univ. Regensburg); PubMed 34327195 (cited by Institute of Human Genetics, Univ. Regensburg, Univ. Regensburg); PubMed 33369172 (cited by Institute of Human Genetics, Univ. Regensburg, Univ. Regensburg); PubMed 36010202 (cited by Institute of Human Genetics, Univ. Regensburg, Univ. Regensburg); PubMed 36819107 (cited by Institute of Human Genetics, Univ. Regensburg, Univ. Regensburg); PubMed 10627133 (cited by Leiden Open Variation Database); PubMed 17653047 (cited by Leiden Open Variation Database); PubMed 28041643 (cited by Leiden Open Variation Database and NIHR Bioresource Rare Diseases, University of Cambridge); PubMed 29847639 (cited by Leiden Open Variation Database); PubMed 32717343 (cited by Leiden Open Variation Database); PubMed 30718709 (cited by Department of Clinical Genetics, Copenhagen University Hospital, Rigshospitalet).